The following is an entry in ClinVar:

ClinVar aggregate classification (germline): Pathogenic (1 of 4 stars; one submission).

Submission:

Labcorp Genetics (formerly Invitae), Labcorp
Classification: Pathogenic. Last evaluated: 2025-12-06. Review status: criteria provided, single submitter. Criteria: Invitae Variant Classification Sherloc (09022015). Collection method: clinical testing. Allele origin: germline.
Comment: This sequence change creates a premature translational stop signal (p.Gln900*) in the ERCC5 gene. It is expected to result in an absent or disrupted protein product. Loss-of-function variants in ERCC5 are known to be pathogenic (PMID: 23370536, 24700531, 30919937). This variant is not present in population databases (gnomAD no frequency). This variant has not been reported in the literature in individuals affected with ERCC5-related conditions. For these reasons, this variant has been classified as Pathogenic.

Literature cited by the submitters: PubMed 23370536; PubMed 24700531; PubMed 30919937.

NM_000123.4(ERCC5):c.2698C>T (p.Gln900Ter)

Genes: BIVM-ERCC5 (BIVM-ERCC5 readthrough; plus strand), ERCC5 (ERCC excision repair 5, endonuclease; plus strand). Cytogenetic location: 13q33.1.
Variant type: single nucleotide variant.
Coding change: c.2698C>T on transcript NM_000123.4 (MANE Select); coding-DNA position 2698, C replaced by T.
Protein change: p.Gln900Ter; replaces glutamine 900 with a stop codon.
Molecular consequence: nonsense.
Genome position (GRCh38, 1-based): chr13:102,872,217, C>T. VCF-style: chr13-102872217-C-T. GRCh37 (hg19) VCF-style: chr13-103524567-C-T.
Other names: c.4060C>T, p.Gln1354Ter (NM_001204425.2); short protein forms Q900*, Q1354*.
Identifiers: ClinVar variation 4764467 (VCV004764467.1).
Genomic context (GRCh38, chr13:102,872,217, plus strand): 5'-GTCTCATTGCTGTGTAAGTAATTGTTTCCTTTATTTTACAGAGAATGGTGGCATGAAGCT[C>T]AAAAAAATCCAAAGATAAGACCTAATCCTCATGACACCAAAGTGAAAAAAAAATTACGGA-3'